The following is an entry in ClinVar:

NM_000218.3(KCNQ1):c.1394-33298C>T

Genes: KCNQ1 (potassium voltage-gated channel subfamily Q member 1; plus strand), KCNQ1OT1 (KCNQ1 opposite strand/antisense transcript 1; minus strand). Cytogenetic location: 11p15.5.
Variant type: single nucleotide variant.
Coding change: c.1394-33298C>T on transcript NM_000218.3 (MANE Select); 33298 bases into the intron before coding-DNA position 1394, C replaced by T.
Molecular consequence: intron variant.
Genome position (GRCh38, 1-based): chr11:2,628,663, C>T. VCF-style: chr11-2628663-C-T. GRCh37 (hg19) VCF-style: chr11-2649893-C-T.
Other names: c.1124-33298C>T (NM_001406837.1); c.1298-33298C>T (NM_001406836.1); c.854-33298C>T (NM_001406838.1); c.1013-33298C>T (NM_181798.2).
Identifiers: ClinVar variation 1879173 (VCV001879173.29), dbSNP rs145813834, ClinGen allele CA216143176.
Genomic context (GRCh38, chr11:2,628,663, plus strand): 5'-TTGTTGTTTCCTTTGTTGTGCAGACACTTTTTTGTTTGATGTAGTTCTAATTTATTTTTG[C>T]GTTTTATTCCTTGTGCTTTTGATGTCACATCTAAAAAATTGTCACAAAAACCAATGGCAA-3'

ClinVar aggregate classification (germline): Benign (1 of 4 stars; one submission).

Allele frequency attached by ClinVar (database versions not stated): 1000 Genomes Project 30x 0.00078; 1000 Genomes Project 0.00100; TOPMed 0.00263; gnomAD 0.00330; gnomAD exomes 0.00401.
gnomAD v4.1: 1,454 of 398,134 alleles (0.37%); highest among the groups gnomAD compares: Non-Finnish European, 0.43%; 3 homozygotes.

Submission:

CeGaT Center for Human Genetics Tuebingen
Classification: Benign. Last evaluated: 2026-01-01. Review status: criteria provided, single submitter. Criteria: CeGaT Center For Human Genetics Tuebingen Variant Classification Criteria Version 2. Collection method: clinical testing. Allele origin: germline. Affected: yes. Observed: 21 variant alleles.
Comment: KCNQ1OT1: BS1, BS2